The following is an entry in ClinVar:

NM_000089.4(COL1A2):c.1743C>T (p.Leu581=)

Gene: COL1A2 (collagen type I alpha 2 chain; plus strand). Cytogenetic location: 7q21.3.
Variant type: single nucleotide variant.
Coding change: c.1743C>T on transcript NM_000089.4 (MANE Select); coding-DNA position 1743, C replaced by T.
Protein change: p.Leu581=; no amino-acid change (leucine 581 retained).
Molecular consequence: synonymous variant.
Genome position (GRCh38, 1-based): chr7:94,415,249, C>T. VCF-style: chr7-94415249-C-T. GRCh37 (hg19) VCF-style: chr7-94044561-C-T.
Identifiers: ClinVar variation 2657681 (VCV002657681.24), dbSNP rs2484718131, ClinGen allele CA456489005.
Genomic context (GRCh38, chr7:94,415,249, plus strand): 5'-ACACAGATTTCATGCTTTATTCTCATGTTTTGTCTAGGGTCTCCATGGTGAGTTTGGTCT[C>T]CCTGGTCCTGCTGGTCCAAGAGTAAGTGTTACTTCATTAACTTTCATAAACTCTGGCAAT-3'
Protein context (NP_000080.2, residues 571-591): GERGLHGEFG[Leu581=]PGPAGPRGER

ClinVar aggregate classification (germline): Likely benign (1 of 4 stars; one submission).

Submission:

CeGaT Center for Human Genetics Tuebingen
Classification: Likely benign. Last evaluated: 2022-12-01. Review status: criteria provided, single submitter. Criteria: CeGaT Center For Human Genetics Tuebingen Variant Classification Criteria Version 2. Collection method: clinical testing. Allele origin: germline. Affected: yes. Observed: 1 variant allele.
Comment: COL1A2: PM2:Supporting, BP4, BP7